The following is an entry in ClinVar:

NM_000270.4(PNP):c.635_636delinsCT (p.Leu212Pro)

Gene: PNP (purine nucleoside phosphorylase; plus strand). Cytogenetic location: 14q11.2.
Variant type: Indel.
Coding change: c.635_636delinsCT on transcript NM_000270.4 (MANE Select); coding-DNA positions 635 to 636, TG replaced by CT.
Protein change: p.Leu212Pro; replaces leucine 212 with proline.
Molecular consequence: missense variant.
Genome position (GRCh38, 1-based): chr14:20,475,235-20,475,236, TG replaced by CT. VCF-style: chr14-20475235-TG-CT. GRCh37 (hg19) VCF-style: chr14-20943394-TG-CT.
Other names: short protein forms L212P.
Identifiers: ClinVar variation 947150 (VCV000947150.5), dbSNP rs1882077313, ClinGen allele CA1139663348.

ClinVar aggregate classification (germline): Uncertain significance (1 of 4 stars; one submission).

Conditions:
Purine-nucleoside phosphorylase deficiency. Also called: Immunodeficiency due to purine nucleoside phosphorylase deficiency; NUCLEOSIDE PHOSPHORYLASE DEFICIENCY. Identifiers: Orphanet 760, MedGen C0268125, MONDO:0013171, OMIM 613179.

Submission:

Labcorp Genetics (formerly Invitae), Labcorp
Classification: Uncertain significance for Purine-nucleoside phosphorylase deficiency. Last evaluated: 2022-08-23. Review status: criteria provided, single submitter. Criteria: Invitae Variant Classification Sherloc (09022015). Collection method: clinical testing. Allele origin: germline.
Comment: This sequence change replaces leucine with proline at codon 212 of the PNP protein (p.Leu212Pro). The leucine residue is moderately conserved and there is a moderate physicochemical difference between leucine and proline. This variant is present in population databases (no rsID available, gnomAD 0.04%). This variant has not been reported in the literature in individuals affected with PNP-related conditions. ClinVar contains an entry for this variant (Variation ID: 947150). Algorithms developed to predict the effect of missense changes on protein structure and function are either unavailable or do not agree on the potential impact of this missense change (SIFT: "Not Available"; PolyPhen-2: "Possibly Damaging"; Align-GVGD: "Not Available"). In summary, the available evidence is currently insufficient to determine the role of this variant in disease. Therefore, it has been classified as a Variant of Uncertain Significance.